The following is an entry in ClinVar:

ClinVar aggregate classification (germline): Uncertain significance (1 of 4 stars; one submission).

Allele frequency attached by ClinVar (database versions not stated): gnomAD exomes below 0.00001.
gnomAD v4.1: 1 of 1,612,938 alleles (0.000062%); highest among the groups gnomAD compares: East Asian, 0.0022%; no homozygotes.

Submission:

Labcorp Genetics (formerly Invitae), Labcorp
Classification: Uncertain significance. Last evaluated: 2022-11-04. Review status: criteria provided, single submitter. Criteria: Invitae Variant Classification Sherloc (09022015). Collection method: clinical testing. Allele origin: germline.
Comment: In summary, the available evidence is currently insufficient to determine the role of this variant in disease. Therefore, it has been classified as a Variant of Uncertain Significance. Algorithms developed to predict the effect of missense changes on protein structure and function are either unavailable or do not agree on the potential impact of this missense change (SIFT: "Tolerated"; PolyPhen-2: "Not Available"; Align-GVGD: "Class C0"). This variant has not been reported in the literature in individuals affected with TET3-related conditions. This variant is present in population databases (no rsID available, gnomAD 0.006%). This sequence change replaces leucine, which is neutral and non-polar, with arginine, which is basic and polar, at codon 1480 of the TET3 protein (p.Leu1480Arg).

NM_001287491.2(TET3):c.4439T>G (p.Leu1480Arg)

Gene: TET3 (tet methylcytosine dioxygenase 3; plus strand). Cytogenetic location: 2p13.1.
Variant type: single nucleotide variant.
Coding change: c.4439T>G on transcript NM_001287491.2 (MANE Select); coding-DNA position 4439, T replaced by G.
Protein change: p.Leu1480Arg; replaces leucine 1480 with arginine.
Molecular consequence: missense variant.
Genome position (GRCh38, 1-based): chr2:74,101,227, T>G. VCF-style: chr2-74101227-T-G. GRCh37 (hg19) VCF-style: chr2-74328354-T-G.
Other names: c.4160T>G, p.Leu1387Arg (NM_001366022.1); c.4034T>G, p.Leu1345Arg (NM_144993.1); short protein forms L1345R, L1387R, L1480R.
Identifiers: ClinVar variation 2812097 (VCV002812097.3), dbSNP rs1401951407, ClinGen allele CA347319893.
Genomic context (GRCh38, chr2:74,101,227, plus strand): 5'-CGTCTGGGGAGAGTCCTGCCATCGTCCCTGACAAGCTCAGTTCCTTTGGGGCCAGCTGCC[T>G]GGCCCCTTCCCACTTCACAGATGGCCAGTGGGGGCTGTTCCCCGGTGAGGGGCAGCAGGC-3'
Protein context (NP_001274420.1, residues 1470-1490): DKLSSFGASC[Leu1480Arg]APSHFTDGQW